The following is an entry in ClinVar:

NM_031924.8(RSPH3):c.376A>G (p.Ile126Val)

Gene: RSPH3 (radial spoke head 3; minus strand). Cytogenetic location: 6q25.3.
Variant type: single nucleotide variant.
Coding change: c.376A>G on transcript NM_031924.8 (MANE Select); coding-DNA position 376, A replaced by G.
Protein change: p.Ile126Val; replaces isoleucine 126 with valine.
Molecular consequence: missense variant. On other transcripts: non-coding transcript variant (1), intron variant (1).
Genome position (GRCh38, 1-based): chr6:158,983,778, T>C on the plus strand (A>G on the coding strand, the complement: RSPH3 is on the minus strand). VCF-style: chr6-158983778-T-C. GRCh37 (hg19) VCF-style: chr6-159404810-T-C.
Other names: c.631-1090A>G (NM_001346418.1); short protein forms I126V.
Identifiers: ClinVar variation 838839 (VCV000838839.1), dbSNP rs180884138, ClinGen allele CA4075909.

ClinVar aggregate classification (germline): Uncertain significance (1 of 4 stars; one submission).

Conditions:
Primary ciliary dyskinesia 32. Also called: CILIARY DYSKINESIA, PRIMARY, 32, WITHOUT SITUS INVERSUS. Identifiers: Orphanet 244, MedGen C4225311, MONDO:0014657, OMIM 616481.

Allele frequency attached by ClinVar (database versions not stated): gnomAD 0.00001; gnomAD exomes 0.00001; TOPMed 0.00001; ExAC 0.00002; 1000 Genomes Project 30x 0.00016; 1000 Genomes Project 0.00020.

Submission:

Labcorp Genetics (formerly Invitae), Labcorp
Classification: Uncertain significance for Ciliary dyskinesia, primary, 32. Last evaluated: 2019-01-21. Review status: criteria provided, single submitter. Criteria: Invitae Variant Classification Sherloc (09022015). Collection method: clinical testing. Allele origin: germline.
Comment: This sequence change replaces isoleucine with valine at codon 268 of the RSPH3 protein (p.Ile268Val). The isoleucine residue is moderately conserved and there is a small physicochemical difference between isoleucine and valine. This variant is present in population databases (rs180884138, ExAC 0.01%). This variant has not been reported in the literature in individuals with RSPH3-related conditions. Algorithms developed to predict the effect of missense changes on protein structure and function output the following: SIFT: "Tolerated"; PolyPhen-2: "Benign"; Align-GVGD: "Class C0". The valine amino acid residue is found in multiple mammalian species, suggesting that this missense change does not adversely affect protein function. These predictions have not been confirmed by published functional studies and their clinical significance is uncertain. In summary, the available evidence is currently insufficient to determine the role of this variant in disease. Therefore, it has been classified as a Variant of Uncertain Significance.